The following is an entry in ClinVar:

NM_017755.6(NSUN2):c.191del (p.Gly64fs)

Gene: NSUN2 (NOP2/Sun RNA methyltransferase 2; minus strand). Cytogenetic location: 5p15.31.
Variant type: Deletion.
Coding change: c.191del on transcript NM_017755.6 (MANE Select); coding-DNA position 191, one base deleted (G; older notation c.191delG).
Protein change: p.Gly64fs; shifts the reading frame from glycine 64.
Molecular consequence: frameshift variant. On other transcripts: non-coding transcript variant (1).
Genome position (GRCh38, 1-based): chr5:6,632,662, C deleted on the plus strand (G on the coding strand, the reverse complement: NSUN2 is on the minus strand); the first of 4 consecutive C bases (chr5:6,632,662-6,632,665); deleting any one gives the same sequence. VCF-style (leftmost placement, unchanged base first): chr5-6632661-GC-G. GRCh37 (hg19) VCF-style: chr5-6632774-GC-G.
Other names: c.191del, p.Gly64fs (NM_001193455.2); short protein forms G64fs.
Identifiers: ClinVar variation 1782639 (VCV001782639.2), dbSNP rs2477507339, ClinGen allele CA2580073143.

ClinVar aggregate classification (germline): Pathogenic (1 of 4 stars; one submission).

Conditions:
Inborn genetic diseases. Identifiers: MedGen C0950123, MeSH D030342.

Submission:

Ambry Genetics
Classification: Pathogenic for Inborn genetic diseases. Last evaluated: 2018-04-30. Review status: criteria provided, single submitter. Criteria: Ambry Variant Classification Scheme 2023. Collection method: clinical testing. Allele origin: germline.
Comment: The c.191delG pathogenic mutation, located in coding exon 2 of the NSUN2 gene, results from a deletion of one nucleotide at nucleotide position 191, causing a translational frameshift with a predicted alternate stop codon (p.G64Afs*15). This alteration is expected to result in loss of function by premature protein truncation or nonsense-mediated mRNA decay. As such, this alteration is interpreted as a disease-causing mutation.